The following is an entry in ClinVar:

NM_198129.4(LAMA3):c.8445C>A (p.Asn2815Lys)

Gene: LAMA3 (laminin subunit alpha 3; plus strand). Cytogenetic location: 18q11.2.
Variant type: single nucleotide variant.
Coding change: c.8445C>A on transcript NM_198129.4 (MANE Select); coding-DNA position 8445, C replaced by A.
Protein change: p.Asn2815Lys; replaces asparagine 2815 with lysine.
Molecular consequence: missense variant.
Genome position (GRCh38, 1-based): chr18:23,931,070, C>A. VCF-style: chr18-23931070-C-A. GRCh37 (hg19) VCF-style: chr18-21511034-C-A.
Other names: c.3618C>A, p.Asn1206Lys (NM_000227.6); c.8277C>A, p.Asn2759Lys (NM_001127717.4); c.3450C>A, p.Asn1150Lys (NM_001127718.4); short protein forms N1206K, N2815K, N1150K, N2759K.
Identifiers: ClinVar variation 255575 (VCV000255575.23), dbSNP rs1154232, ClinGen allele CA8916921.

ClinVar aggregate classification (germline): Benign. Review status: criteria provided, multiple submitters, no conflicts (2 of 4 stars). 11 submissions from 8 submitters: Benign (11). Last evaluated 2026-02-04.

Conditions:
Laryngo-onycho-cutaneous syndrome (JEB2C). Also called: SHABBIR SYNDROME; LOGIC SYNDROME; EPIDERMOLYSIS BULLOSA, JUNCTIONAL 2C, LARYNGOONYCHOCUTANEOUS. Identifiers: Orphanet 2407, MedGen C1328355, MONDO:0009513, OMIM 245660.
Junctional epidermolysis bullosa, non-Herlitz type. Also called: Adult junctional epidermolysis bullosa; COL17A1-Related Junctional Epidermolysis Bullosa; Epidermolysis bullosa, junctional, non-herlitz type, somatic mosaic revertant; EPIDERMOLYSIS BULLOSA JUNCTIONALIS, DISENTIS TYPE; EPIDERMOLYSIS BULLOSA JUNCTIONALIS, NON-HERLITZ TYPE; EPIDERMOLYSIS BULLOSA JUNCTIONALIS, PROGRESSIVE. Identifiers: Orphanet 251393, Orphanet 79402, Orphanet 79405, Orphanet 89840, MedGen C0268374, MONDO:0009180, OMIM 226650.
Junctional epidermolysis bullosa gravis of Herlitz. Also called: Epidermolysis Bullosa Letalis; EPIDERMOLYSIS BULLOSA JUNCTIONALIS, HERLITZ TYPE; EPIDERMOLYSIS BULLOSA, JUNCTIONAL, HERLITZ-PEARSON TYPE; JEB-HERLITZ TYPE; EPIDERMOLYSIS BULLOSA, JUNCTIONAL 1B, SEVERE; Herlitz-type junctional epidermolysis bullosa. Identifiers: Orphanet 79404, MedGen C0079683, MONDO:0009182, OMIM 226700.

Allele frequency attached by ClinVar (database versions not stated): TOPMed 0.14702; 1000 Genomes Project 30x 0.15131; ESP Exome Variant Server 0.15262; 1000 Genomes Project 0.15675; gnomAD 0.17201.
gnomAD v4.1: 318,100 of 1,610,202 alleles (20%); highest among the groups gnomAD compares: South Asian, 24%; 32,847 homozygotes.

Submissions (11):

Labcorp Genetics (formerly Invitae), Labcorp
Classification: Benign. Last evaluated: 2026-02-04. Review status: criteria provided, single submitter. Criteria: Invitae Variant Classification Sherloc (09022015). Collection method: clinical testing. Allele origin: germline.

Genome-Nilou Lab
Classification: Benign for Junctional epidermolysis bullosa, non-Herlitz type. Last evaluated: 2021-07-10. Review status: criteria provided, single submitter. Criteria: ACMG Guidelines, 2015. Collection method: clinical testing. Allele origin: germline. Affected: no.

Genome-Nilou Lab
Classification: Benign for Junctional epidermolysis bullosa gravis of Herlitz. Last evaluated: 2021-07-10. Review status: criteria provided, single submitter. Criteria: ACMG Guidelines, 2015. Collection method: clinical testing. Allele origin: germline. Affected: no.

Genome-Nilou Lab
Classification: Benign for Laryngo-onycho-cutaneous syndrome. Last evaluated: 2021-07-10. Review status: criteria provided, single submitter. Criteria: ACMG Guidelines, 2015. Collection method: clinical testing. Allele origin: germline. Affected: no.

Women's Health and Genetics/Laboratory Corporation of America, LabCorp
Classification: Benign. Last evaluated: 2019-05-16. Review status: criteria provided, single submitter. Criteria: LabCorp Variant Classification Summary - May 2015. Collection method: clinical testing. Allele origin: germline.
Comment: Variant summary: LAMA3 c.3618C>A (p.Asn1206Lys) results in a non-conservative amino acid change in the encoded protein sequence. Four of five in-silico tools predict a benign effect of the variant on protein function. The variant allele was found at a frequency of 0.19 in 251140 control chromosomes, predominantly at a frequency of 0.24 within the South Asian subpopulation in the gnomAD database, including 894 homozygotes. The observed variant frequency within South Asian control individuals in the gnomAD database is approximately 531 fold of the estimated maximal expected allele frequency for a pathogenic variant in LAMA3 causing Junctional Epidermolysis Bullosa phenotype (0.00045), strongly suggesting that the variant is a benign polymorphism found primarily in populations of South Asian origin. c.3618C>A has been reported in the literature in individuals affected with atopic dermatitis and also in the control population (Stemmler_2014). This report does not provide unequivocal conclusions about association of the variant with Junctional Epidermolysis Bullosa . To our knowledge, no experimental evidence demonstrating an impact on protein function has been reported. Two submitters have provided clinical-significance assessments for this variant to ClinVar after 2014 without evidence for independent evaluation and classified the variant as benign. Based on the evidence outlined above, the variant was classified as benign.

Illumina Laboratory Services, Illumina
Classification: Benign for Laryngo-onycho-cutaneous syndrome. Last evaluated: 2018-01-13. Review status: criteria provided, single submitter. Criteria: ICSL Variant Classification Criteria 13 December 2019. Collection method: clinical testing. Allele origin: germline.
Comment: This variant was observed in the ICSL laboratory as part of a predisposition screen in an ostensibly healthy population. It had not been previously curated by ICSL or reported in the Human Gene Mutation Database (HGMD: prior to June 1st, 2018), and was therefore a candidate for classification through an automated scoring system. Utilizing variant allele frequency, disease prevalence and penetrance estimates, and inheritance mode, an automated score was calculated to assess if this variant is too frequent to cause the disease. Based on the score and internal cut-off values, a variant classified as benign is not then subjected to further curation. The score for this variant resulted in a classification of benign for this disease.

Illumina Laboratory Services, Illumina
Classification: Benign for Junctional epidermolysis bullosa gravis of Herlitz. Last evaluated: 2018-01-13. Review status: criteria provided, single submitter. Criteria: ICSL Variant Classification Criteria 13 December 2019. Collection method: clinical testing. Allele origin: germline.
Comment: the same text as in the submission from Illumina Laboratory Services, Illumina above.

Laboratory for Molecular Medicine, Mass General Brigham Personalized Medicine
Classification: Benign. Last evaluated: 2016-03-29. Review status: criteria provided, single submitter. Criteria: LMM Criteria. Collection method: clinical testing. Allele origin: germline.
Comment: Variant identified in a genome or exome case(s) and assessed due to predicted null impact of the variant or pathogenic assertions in the literature or databases. Disclaimer: This variant has not undergone full assessment. The following are preliminary notes: Frequency

GeneDx
Classification: Benign. Last evaluated: 2015-03-03. Review status: criteria provided, single submitter. Criteria: GeneDx Variant Classification Process June 2021. Collection method: clinical testing. Allele origin: germline. Affected: yes.

Breakthrough Genomics
Classification: Benign. Review status: criteria provided, single submitter. Criteria: ACMG Guidelines, 2015. Collection method: not provided. Allele origin: germline. Inheritance: Autosomal recessive inheritance. Affected: yes.

PreventionGenetics, part of Exact Sciences
Classification: Benign. Review status: criteria provided, single submitter. Criteria: ACMG Guidelines, 2015. Collection method: clinical testing. Allele origin: germline.

Literature cited by the submitters: PubMed 25363238 (cited by Women's Health and Genetics/Laboratory Corporation of America, LabCorp).